The following is an entry in ClinVar:

ClinVar aggregate classification (germline): Uncertain significance. Review status: criteria provided, multiple submitters, no conflicts (2 of 4 stars). 4 submissions from 4 submitters: Uncertain significance (4). Last evaluated 2026-02-11.

Conditions:
Hereditary cancer-predisposing syndrome. Also called: Tumor predisposition; Hereditary Cancer Syndrome; Neoplastic Syndromes, Hereditary; Hereditary neoplastic syndrome. Identifiers: Orphanet 140162, MedGen C0027672, MeSH D009386, MONDO:0015356.
Papillary renal cell carcinoma type 1 (RCCP1). Also called: RENAL CELL CARCINOMA, PAPILLARY, 1, SOMATIC; Renal adenocarcinoma; Renal cell carcinoma 1; Renal cell carcinoma, somatic. Identifiers: Orphanet 47044, MedGen C1336839, OMIM 605074, HP:0011797.
Renal cell carcinoma. Identifiers: Orphanet 217071, MedGen C0007134, MeSH D002292, MONDO:0005086, HP:0005584.

Allele frequency attached by ClinVar (database versions not stated): gnomAD 0.00003; gnomAD exomes below 0.00001; TOPMed 0.00002.
gnomAD v4.1: 4 of 1,614,156 alleles (0.00025%); highest among the groups gnomAD compares: South Asian, 0.0011%; no homozygotes.

Submissions (4):

St. Jude Molecular Pathology, St. Jude Children's Research Hospital
Classification: Uncertain significance for Papillary renal cell carcinoma type 1. Last evaluated: 2026-02-11. Review status: criteria provided, single submitter. Criteria: St. Jude Assertion Criteria 2020. Collection method: clinical testing. Allele origin: germline.
Comment: The MET c.3284T>C p.(Ile1095Thr) missense change has a maximum subpopulation frequency of 0.01% in gnomAD v2.1.1. The in silico tool REVEL is inconclusive about a pathogenic or benign effect of this variant on protein function, and to our knowledge functional studies have not been performed. To our knowledge, this variant has not been reported in individuals with hereditary papillary renal cell carcinoma. In summary, the evidence currently available is insufficient to determine the clinical significance of this variant. It has therefore been classified as of uncertain significance.

Labcorp Genetics (formerly Invitae), Labcorp
Classification: Uncertain significance for Renal cell carcinoma. Last evaluated: 2025-05-19. Review status: criteria provided, single submitter. Criteria: Invitae Variant Classification Sherloc (09022015). Collection method: clinical testing. Allele origin: germline.
Comment: This sequence change replaces isoleucine, which is neutral and non-polar, with threonine, which is neutral and polar, at codon 1095 of the MET protein (p.Ile1095Thr). This variant is present in population databases (no rsID available, gnomAD 0.01%). This variant has not been reported in the literature in individuals affected with MET-related conditions. ClinVar contains an entry for this variant (Variation ID: 823428). Invitae Evidence Modeling of protein sequence and biophysical properties (such as structural, functional, and spatial information, amino acid conservation, physicochemical variation, residue mobility, and thermodynamic stability) indicates that this missense variant is not expected to disrupt MET protein function with a negative predictive value of 80%. In summary, the available evidence is currently insufficient to determine the role of this variant in disease. Therefore, it has been classified as a Variant of Uncertain Significance.

Center for Genomic Medicine, Rigshospitalet, Copenhagen University Hospital
Classification: Uncertain significance. Last evaluated: 2025-03-04. Review status: criteria provided, single submitter. Criteria: ACMG Guidelines, 2015. Collection method: clinical testing. Allele origin: germline.

Ambry Genetics
Classification: Uncertain significance for Hereditary cancer-predisposing syndrome. Last evaluated: 2024-12-09. Review status: criteria provided, single submitter. Criteria: Ambry Variant Classification Scheme 2023. Collection method: clinical testing. Allele origin: germline.
Comment: The p.I1095T variant (also known as c.3284T>C), located in coding exon 14 of the MET gene, results from a T to C substitution at nucleotide position 3284. The isoleucine at codon 1095 is replaced by threonine, an amino acid with similar properties. This amino acid position is not well conserved in available vertebrate species. In addition, the in silico prediction for this alteration is inconclusive. Based on the available evidence, the clinical significance of this variant remains unclear.

NM_000245.4(MET):c.3230T>C (p.Ile1077Thr)

Gene: MET (MET proto-oncogene, receptor tyrosine kinase; plus strand). Cytogenetic location: 7q31.2.
Variant type: single nucleotide variant.
Coding change: c.3230T>C on transcript NM_000245.4 (MANE Select); coding-DNA position 3230, T replaced by C.
Protein change: p.Ile1077Thr; replaces isoleucine 1077 with threonine.
Molecular consequence: missense variant.
Genome position (GRCh38, 1-based): chr7:116,775,082, T>C. VCF-style: chr7-116775082-T-C. GRCh37 (hg19) VCF-style: chr7-116415136-T-C.
Other names: c.3284T>C, p.Ile1095Thr (NM_001127500.3); c.1940T>C, p.Ile647Thr (NM_001324402.2); short protein forms I1077T, I647T, I1095T.
Identifiers: ClinVar variation 823428 (VCV000823428.14), dbSNP rs1177400289, ClinGen allele CA368988737.